The following is an entry in ClinVar:

NM_006218.4(PIK3CA):c.1145+4A>G

Gene: PIK3CA (phosphatidylinositol-4,5-bisphosphate 3-kinase catalytic subunit alpha; plus strand). Cytogenetic location: 3q26.32.
Variant type: single nucleotide variant.
Coding change: c.1145+4A>G on transcript NM_006218.4 (MANE Select); 4 bases into the intron after coding-DNA position 1145, A replaced by G.
Molecular consequence: intron variant.
Genome position (GRCh38, 1-based): chr3:179,204,592, A>G. VCF-style: chr3-179204592-A-G. GRCh37 (hg19) VCF-style: chr3-178922380-A-G.
Identifiers: ClinVar variation 1350498 (VCV001350498.6), dbSNP rs1724508525, ClinGen allele CA1423666749.

ClinVar aggregate classification (germline): Uncertain significance (1 of 4 stars; one submission).

Conditions:
Cowden syndrome (CS). Also called: Cowden's disease; Cowden's syndrome; Cowden disease. Identifiers: Orphanet 201, MedGen C0018553, MONDO:0016063. Disease mechanism: gain of function.

Allele frequency attached by ClinVar (database versions not stated): gnomAD exomes below 0.00001; TOPMed 0.00001.
gnomAD v4.1: 2 of 1,367,088 alleles (0.00015%); highest among the groups gnomAD compares: Admixed American, 0.0034%; no homozygotes.

Submission:

Labcorp Genetics (formerly Invitae), Labcorp
Classification: Uncertain significance for Cowden syndrome. Last evaluated: 2021-02-10. Review status: criteria provided, single submitter. Criteria: Invitae Variant Classification Sherloc (09022015). Collection method: clinical testing. Allele origin: germline.
Comment: This variant has not been reported in the literature in individuals with PIK3CA-related conditions. In summary, the available evidence is currently insufficient to determine the role of this variant in disease. Therefore, it has been classified as a Variant of Uncertain Significance. Nucleotide substitutions within the consensus splice site are a relatively common cause of aberrant splicing (PMID: 17576681, 9536098). Algorithms developed to predict the effect of sequence changes on RNA splicing suggest that this variant may create or strengthen a splice site, but this prediction has not been confirmed by published transcriptional studies. This variant is not present in population databases (ExAC no frequency). This sequence change falls in intron 6 of the PIK3CA gene. It does not directly change the encoded amino acid sequence of the PIK3CA protein. It affects a nucleotide within the consensus splice site of the intron.

Literature cited by the submitters: PubMed 17576681; PubMed 9536098.